The following is an entry in ClinVar:

NM_025265.4(TSEN2):c.910-5T>C

Gene: TSEN2 (tRNA splicing endonuclease subunit 2; plus strand). Cytogenetic location: 3p25.2.
Variant type: single nucleotide variant.
Coding change: c.910-5T>C on transcript NM_025265.4 (MANE Select); 5 bases into the intron before coding-DNA position 910, T replaced by C.
Molecular consequence: intron variant.
Genome position (GRCh38, 1-based): chr3:12,516,606, T>C. VCF-style: chr3-12516606-T-C. GRCh37 (hg19) VCF-style: chr3-12558105-T-C.
Other names: c.910-5T>C (NM_001321278.2, NM_001145392.2, NM_001321277.2); c.832-5T>C (NM_001321279.2, NM_001145393.3); c.733-5T>C (NM_001145394.2).
Identifiers: ClinVar variation 2017372 (VCV002017372.4), dbSNP rs2471728788, ClinGen allele CA2580068457.

ClinVar aggregate classification (germline): Uncertain significance (1 of 4 stars; one submission).

Submission:

Labcorp Genetics (formerly Invitae), Labcorp
Classification: Uncertain significance. Last evaluated: 2022-10-24. Review status: criteria provided, single submitter. Criteria: Invitae Variant Classification Sherloc (09022015). Collection method: clinical testing. Allele origin: germline.
Comment: In summary, the available evidence is currently insufficient to determine the role of this variant in disease. Therefore, it has been classified as a Variant of Uncertain Significance. Algorithms developed to predict the effect of sequence changes on RNA splicing suggest that this variant may disrupt the consensus splice site. This variant has not been reported in the literature in individuals affected with TSEN2-related conditions. This variant is not present in population databases (gnomAD no frequency). This sequence change falls in intron 6 of the TSEN2 gene. It does not directly change the encoded amino acid sequence of the TSEN2 protein.